The following is an entry in ClinVar:

NM_007194.4(CHEK2):c.1439C>T (p.Ala480Val)

Gene: CHEK2 (checkpoint kinase 2; minus strand). Cytogenetic location: 22q12.1.
Variant type: single nucleotide variant.
Coding change: c.1439C>T on transcript NM_007194.4 (MANE Select); coding-DNA position 1439, C replaced by T.
Protein change: p.Ala480Val; replaces alanine 480 with valine.
Molecular consequence: missense variant.
Genome position (GRCh38, 1-based): chr22:28,694,054, G>A on the plus strand (C>T on the coding strand, the complement: CHEK2 is on the minus strand). VCF-style: chr22-28694054-G-A. GRCh37 (hg19) VCF-style: chr22-29090042-G-A.
Other names: c.1568C>T, p.Ala523Val (NM_001005735.3); c.776C>T, p.Ala259Val (NM_001257387.3); c.1238C>T, p.Ala413Val (NM_001349956.3); c.1352C>T, p.Ala451Val (NM_145862.3); short protein forms A480V, A259V, A523V, A413V, A451V.
Identifiers: ClinVar variation 186892 (VCV000186892.15), dbSNP rs786203303, ClinGen allele CA196161.

ClinVar aggregate classification (germline): Uncertain significance. Review status: criteria provided, multiple submitters, no conflicts (2 of 4 stars). 3 submissions from 3 submitters: Uncertain significance (3). Last evaluated 2025-09-20.

Conditions:
Hereditary cancer-predisposing syndrome. Also called: Neoplastic Syndromes, Hereditary; Tumor predisposition; Hereditary Cancer Syndrome; Hereditary neoplastic syndrome. Identifiers: Orphanet 140162, MedGen C0027672, MeSH D009386, MONDO:0015356.
Familial cancer of breast. Also called: BREAST CANCER, FAMILIAL; Hereditary breast cancer; hereditary breast carcinoma. Identifiers: Orphanet 227535, MedGen C0346153, MONDO:0016419, OMIM 114480. Disease mechanism: loss of function.

Submissions (3):

Labcorp Genetics (formerly Invitae), Labcorp
Classification: Uncertain significance for Familial cancer of breast. Last evaluated: 2025-09-20. Review status: criteria provided, single submitter. Criteria: Invitae Variant Classification Sherloc (09022015). Collection method: clinical testing. Allele origin: germline.
Comment: This sequence change replaces alanine, which is neutral and non-polar, with valine, which is neutral and non-polar, at codon 480 of the CHEK2 protein (p.Ala480Val). This variant is not present in population databases (gnomAD no frequency). This variant has not been reported in the literature in individuals affected with CHEK2-related conditions. ClinVar contains an entry for this variant (Variation ID: 186892). An algorithm developed to predict the effect of missense changes on protein structure and function (PolyPhen-2) suggests that this variant is likely to be disruptive. In summary, the available evidence is currently insufficient to determine the role of this variant in disease. Therefore, it has been classified as a Variant of Uncertain Significance.

Ambry Genetics
Classification: Uncertain significance for Hereditary cancer-predisposing syndrome. Last evaluated: 2025-01-15. Review status: criteria provided, single submitter. Criteria: Ambry Variant Classification Scheme 2023. Collection method: clinical testing. Allele origin: germline.
Comment: The p.A480V variant (also known as c.1439C>T), located in coding exon 12 of the CHEK2 gene, results from a C to T substitution at nucleotide position 1439. The alanine at codon 480 is replaced by valine, an amino acid with similar properties. This variant was reported as functional in a study assessing CHEK2-complementation through quantification of KAP1 phosphorylation and CHK2 autophosphorylation in human RPE1-CHEK2-knockout cells (Stolarova L et al. Clin Cancer Res. 2023 Aug;29(16):3037-3050). In addition, one high-throughput study assessing complementation of the yeast ortholog RAD53 reported this variant as functional (McCarthy-Leo CE et al. PLoS Genet. 2024 Aug;20(8):e1011375), while a second large yeast-based study had inconclusive findings for this variant (Gebbia M et al. Am J Hum Genet. 2024 Dec;111(12):2675-2692). This amino acid position is highly conserved in available vertebrate species. In addition, the in silico prediction for this alteration is inconclusive. Based on the available evidence, the clinical significance of this variant remains unclear.

GeneDx
Classification: Uncertain significance. Last evaluated: 2024-05-03. Review status: criteria provided, single submitter. Criteria: GeneDx Variant Classification Process June 2021. Collection method: clinical testing. Allele origin: germline. Affected: yes.
Comment: Not observed at significant frequency in large population cohorts (gnomAD); In silico analysis indicates that this missense variant does not alter protein structure/function; Has not been previously published as pathogenic or benign to our knowledge; This variant is associated with the following publications: (PMID: 19782031, 22419737)

Literature cited by the submitters: PubMed 37449874 (cited by Ambry Genetics); PubMed 39146382 (cited by Ambry Genetics); PubMed 39642869 (cited by Ambry Genetics).